The following is an entry in ClinVar:

NM_024675.4(PALB2):c.1053A>C (p.Thr351=)

Gene: PALB2 (partner and localizer of BRCA2; minus strand). Cytogenetic location: 16p12.2.
Variant type: single nucleotide variant.
Coding change: c.1053A>C on transcript NM_024675.4 (MANE Select); coding-DNA position 1053, A replaced by C.
Protein change: p.Thr351=; no amino-acid change (threonine 351 retained).
Molecular consequence: synonymous variant.
Genome position (GRCh38, 1-based): chr16:23,635,493, T>G on the plus strand (A>C on the coding strand, the complement: PALB2 is on the minus strand). VCF-style: chr16-23635493-T-G. GRCh37 (hg19) VCF-style: chr16-23646814-T-G.
Identifiers: ClinVar variation 1121943 (VCV001121943.13), dbSNP rs1555461480, ClinGen allele CA494461615.

ClinVar aggregate classification (germline): Benign/Likely benign. Review status: criteria provided, multiple submitters, no conflicts (2 of 4 stars). 3 submissions from 3 submitters: Benign (1); Likely benign (2). Last evaluated 2025-01-13.

Conditions:
Hereditary cancer-predisposing syndrome. Also called: Neoplastic Syndromes, Hereditary; Hereditary Cancer Syndrome; Hereditary neoplastic syndrome; Tumor predisposition. Identifiers: Orphanet 140162, MedGen C0027672, MeSH D009386, MONDO:0015356.
Familial cancer of breast. Also called: BREAST CANCER, FAMILIAL; Hereditary breast cancer; hereditary breast carcinoma. Identifiers: Orphanet 227535, MedGen C0346153, MONDO:0016419, OMIM 114480. Disease mechanism: loss of function.

Submissions (3):

Myriad Genetics, Inc.
Classification: Benign for Familial cancer of breast. Last evaluated: 2025-01-13. Review status: criteria provided, single submitter. Criteria: Myriad Autosomal Dominant, Autosomal Recessive and X-Linked Classification Criteria (2023). Collection method: clinical testing. Allele origin: unknown.
Comment: This variant is considered benign. This variant is a silent/synonymous amino acid change and it is not expected to impact splicing.

Ambry Genetics
Classification: Likely benign for Hereditary cancer-predisposing syndrome. Last evaluated: 2021-06-30. Review status: criteria provided, single submitter. Criteria: Ambry Variant Classification Scheme 2023. Collection method: clinical testing. Allele origin: germline.

Labcorp Genetics (formerly Invitae), Labcorp
Classification: Likely benign for Familial cancer of breast. Last evaluated: 2021-01-13. Review status: criteria provided, single submitter. Criteria: Invitae Variant Classification Sherloc (09022015). Collection method: clinical testing. Allele origin: germline.